The following is an entry in ClinVar:

ClinVar aggregate classification (germline): Uncertain significance. Review status: criteria provided, multiple submitters, no conflicts (2 of 4 stars). 2 submissions from 2 submitters: Uncertain significance (2). Last evaluated 2026-05-04.

Conditions:
Refsum disease, classic. Also called: PHYH-Related Refsum Disease; HEREDOPATHIA ATACTICA POLYNEURITIFORMIS; HMSN IV; PHYTANIC ACID OXIDASE DEFICIENCY. Identifiers: Orphanet 773, MedGen C5780941, MONDO:1060256, OMIM 266500. Disease mechanism: loss of function.

Allele frequency attached by ClinVar (database versions not stated): TOPMed below 0.00001; gnomAD 0.00001; gnomAD exomes below 0.00001.

Submissions (2):

Myriad Genetics, Inc.
Classification: Uncertain significance for Refsum disease, classic. Last evaluated: 2026-05-04. Review status: criteria provided, single submitter. Criteria: Myriad Autosomal Dominant, Autosomal Recessive and X-Linked Classification Criteria (2023). Collection method: clinical testing. Allele origin: unknown.
Comment: NM_006214.3(PHYH):c.668C>G(P223R) is a missense variant classified as a variant of uncertain significance in the context of Refsum disease, PHYH-related. P223R has been observed in a case with relevant disease (PMID: 28005958). Relevant functional assessments of this variant are not available in the literature. P223R has been observed in referenced population frequency databases. In summary, there is insufficient evidence to classify NM_006214.3(PHYH):c.668C>G(P223R) as pathogenic or benign. Please note: this variant was assessed in the context of healthy population screening.

Women's Health and Genetics/Laboratory Corporation of America, LabCorp
Classification: Uncertain significance. Last evaluated: 2023-08-28. Review status: criteria provided, single submitter. Criteria: LabCorp Variant Classification Summary - May 2015. Collection method: clinical testing. Allele origin: germline.
Comment: Variant summary: PHYH c.668C>G (p.Pro223Arg) results in a non-conservative amino acid change in the encoded protein sequence. Five of five in-silico tools predict a damaging effect of the variant on protein function. The variant allele was found at a frequency of 4e-06 in 251066 control chromosomes. The available data on variant occurrences in the general population are insufficient to allow any conclusion about variant significance. c.668C>G has been reported in the literature in an individual with Refsum Syndrome (de Castro_2016). These data do not allow any conclusion about variant significance. To our knowledge, no experimental evidence demonstrating an impact on protein function has been reported. The following publication have been ascertained in the context of this evaluation (PMID: 28005958). No submitters have cited clinical-significance assessments for this variant to ClinVar after 2014. Based on the evidence outlined above, the variant was classified as uncertain significance.

Literature cited by the submitters: PubMed 28005958 (cited by Myriad Genetics, Inc. and Women's Health and Genetics/Laboratory Corporation of America, LabCorp).

NM_006214.4(PHYH):c.668C>G (p.Pro223Arg)

Gene: PHYH (phytanoyl-CoA 2-hydroxylase; minus strand). Cytogenetic location: 10p13.
Variant type: single nucleotide variant.
Coding change: c.668C>G on transcript NM_006214.4 (MANE Select); coding-DNA position 668, C replaced by G.
Protein change: p.Pro223Arg; replaces proline 223 with arginine.
Molecular consequence: missense variant. On other transcripts: intron variant (1).
Genome position (GRCh38, 1-based): chr10:13,288,370, G>C on the plus strand (C>G on the coding strand, the complement: PHYH is on the minus strand). VCF-style: chr10-13288370-G-C. GRCh37 (hg19) VCF-style: chr10-13330370-G-C.
Other names: c.674C>G, p.Pro225Arg (NM_001323082.2); c.374C>G, p.Pro125Arg (NM_001323084.2); c.415-4531C>G (NM_001323083.2); c.368C>G, p.Pro123Arg (NM_001037537.2, NM_001323080.2); short protein forms P123R, P125R, P223R, P225R.
Identifiers: ClinVar variation 2581407 (VCV002581407.2), dbSNP rs1380248613, ClinGen allele CA376035149.